The following is an entry in ClinVar:

NM_025243.4(SLC19A3):c.493G>C (p.Ala165Pro)

Gene: SLC19A3 (solute carrier family 19 member 3; minus strand). Cytogenetic location: 2q36.3.
Variant type: single nucleotide variant.
Coding change: c.493G>C on transcript NM_025243.4 (MANE Select); coding-DNA position 493, G replaced by C.
Protein change: p.Ala165Pro; replaces alanine 165 with proline.
Molecular consequence: missense variant.
Genome position (GRCh38, 1-based): chr2:227,699,222, C>G on the plus strand (G>C on the coding strand, the complement: SLC19A3 is on the minus strand). VCF-style: chr2-227699222-C-G. GRCh37 (hg19) VCF-style: chr2-228563938-C-G.
Other names: c.493G>C, p.Ala165Pro (NM_001371411.1, NM_001371412.1); c.481G>C, p.Ala161Pro (NM_001371413.1, NM_001371414.1); short protein forms A161P, A165P.
Identifiers: ClinVar variation 2715881 (VCV002715881.3), dbSNP rs1272626560, ClinGen allele CA350877107.
Genomic context (GRCh38, chr2:227,699,222, plus strand): 5'-GGAAAGCCACGGAGACAGAGGCCAAGGATATGACGTTGAGGTAAAAGTACGACATGTTCG[C>G]CAGGGATACCAAGAGTTGAGCCAGCACCGACCCTGCTGTGTAGGCGGCCAGCGTGACGCT-3'
Protein context (NP_079519.1, residues 155-175): SVLAQLLVSL[Ala165Pro]NMSYFYLNVI

ClinVar aggregate classification (germline): Uncertain significance. Review status: criteria provided, multiple submitters, no conflicts (2 of 4 stars). 2 submissions from 2 submitters: Uncertain significance (2). Last evaluated 2024-10-02.

Conditions:
Biotin-responsive basal ganglia disease (BTBGD). Also called: thiamine-responsive encephalopathy; Thiamine metabolism dysfunction syndrome 2 (biotin- or thiamine-responsive encephalopathy type 2); Thiamine metabolism dysfunction syndrome type 2; THIAMINE METABOLISM DYSFUNCTION SYNDROME 2 (BIOTIN- AND THIAMINE-RESPONSIVE TYPE); Thiamine Transporter-2 Deficiency. Identifiers: Orphanet 199348, Orphanet 65284, MedGen C1843807, MONDO:0011841, OMIM 607483.

Allele frequency attached by ClinVar (database versions not stated): gnomAD exomes below 0.00001; gnomAD 0.00001.
gnomAD v4.1: 3 of 1,614,074 alleles (0.00019%); highest among the groups gnomAD compares: Middle Eastern, 0.017%; no homozygotes.

Submissions (2):

Blueprint Genetics
Classification: Uncertain significance. Last evaluated: 2024-10-02. Review status: criteria provided, single submitter. Criteria: ACMG Guidelines, 2015. Collection method: clinical testing. Allele origin: germline.

Labcorp Genetics (formerly Invitae), Labcorp
Classification: Uncertain significance for Biotin-responsive basal ganglia disease. Last evaluated: 2023-07-30. Review status: criteria provided, single submitter. Criteria: Invitae Variant Classification Sherloc (09022015). Collection method: clinical testing. Allele origin: germline.
Comment: In summary, the available evidence is currently insufficient to determine the role of this variant in disease. Therefore, it has been classified as a Variant of Uncertain Significance. Advanced modeling of protein sequence and biophysical properties (such as structural, functional, and spatial information, amino acid conservation, physicochemical variation, residue mobility, and thermodynamic stability) performed at Invitae indicates that this missense variant is expected to disrupt SLC19A3 protein function. This variant has not been reported in the literature in individuals affected with SLC19A3-related conditions. This variant is present in population databases (no rsID available, gnomAD 0.0009%). This sequence change replaces alanine, which is neutral and non-polar, with proline, which is neutral and non-polar, at codon 165 of the SLC19A3 protein (p.Ala165Pro).